The following is an entry in ClinVar:

NM_001374736.1(DST):c.15149A>C (p.Gln5050Pro)

Gene: DST (dystonin; minus strand). Cytogenetic location: 6p12.1.
Variant type: single nucleotide variant.
Coding change: c.15149A>C on transcript NM_001374736.1 (MANE Select); coding-DNA position 15149, A replaced by C.
Protein change: p.Gln5050Pro; replaces glutamine 5050 with proline.
Molecular consequence: missense variant.
Genome position (GRCh38, 1-based): chr6:56,553,643, T>G on the plus strand (A>C on the coding strand, the complement: DST is on the minus strand). VCF-style: chr6-56553643-T-G. GRCh37 (hg19) VCF-style: chr6-56418441-T-G.
Other names: c.8792A>C, p.Gln2931Pro (NM_001144769.5); c.8378A>C, p.Gln2793Pro (NM_001144770.2); c.15149A>C, p.Gln5050Pro (NM_001374722.1); c.14516A>C, p.Gln4839Pro (NM_001374729.1); c.8258A>C, p.Gln2753Pro (NM_001374730.1, NM_001386100.1, NM_183380.4); c.15176A>C, p.Gln5059Pro (NM_001374734.1); c.7280A>C, p.Gln2427Pro (NM_015548.5); short protein forms Q2753P, Q2793P, Q2931P, Q4839P, Q5050P, Q2427P, Q5059P.
Identifiers: ClinVar variation 1764669 (VCV001764669.2), dbSNP rs2535343661, ClinGen allele CA364518074.

ClinVar aggregate classification (germline): Uncertain significance (1 of 4 stars; one submission).

Conditions:
Inborn genetic diseases. Identifiers: MedGen C0950123, MeSH D030342.

Submission:

Ambry Genetics
Classification: Uncertain significance for Inborn genetic diseases. Last evaluated: 2020-03-26. Review status: criteria provided, single submitter. Criteria: Ambry Variant Classification Scheme 2023. Collection method: clinical testing. Allele origin: germline.
Comment: The p.Q2931P variant (also known as c.8792A>C), located in coding exon 55 of the DST gene, results from an A to C substitution at nucleotide position 8792. The glutamine at codon 2931 is replaced by proline, an amino acid with similar properties. This amino acid position is not well conserved in available vertebrate species. In addition, the in silico prediction for this alteration is inconclusive. Since supporting evidence is limited at this time, the clinical significance of this alteration remains unclear.